The following is an entry in ClinVar:

NM_001077653.2(TBX20):c.418G>A (p.Val140Met)

Gene: TBX20 (T-box transcription factor 20; minus strand). Cytogenetic location: 7p14.2.
Variant type: single nucleotide variant.
Coding change: c.418G>A on transcript NM_001077653.2 (MANE Select); coding-DNA position 418, G replaced by A.
Protein change: p.Val140Met; replaces valine 140 with methionine.
Molecular consequence: missense variant.
Genome position (GRCh38, 1-based): chr7:35,248,804, C>T on the plus strand (G>A on the coding strand, the complement: TBX20 is on the minus strand). VCF-style: chr7-35248804-C-T. GRCh37 (hg19) VCF-style: chr7-35288416-C-T.
Other names: c.418G>A, p.Val140Met (NM_001166220.1); short protein forms V140M.
Identifiers: ClinVar variation 1187558 (VCV001187558.12), dbSNP rs766745923, ClinGen allele CA4217509.

ClinVar aggregate classification (germline): Uncertain significance. Review status: criteria provided, multiple submitters, no conflicts (2 of 4 stars). 4 submissions from 4 submitters: Uncertain significance (4). Last evaluated 2025-11-28.

Conditions:
Cardiovascular phenotype. Identifiers: MedGen CN230736.
Atrial septal defect 4 (ASD4). Identifiers: Orphanet 1478, MedGen C1969657, MONDO:0012654, OMIM 611363.

Allele frequency attached by ClinVar (database versions not stated): gnomAD exomes 0.00001 and 0.00004; ExAC 0.00004; gnomAD 0.00007 and 0.00009; TOPMed 0.00007.

Submissions (4):

Labcorp Genetics (formerly Invitae), Labcorp
Classification: Uncertain significance. Last evaluated: 2025-11-28. Review status: criteria provided, single submitter. Criteria: Invitae Variant Classification Sherloc (09022015). Collection method: clinical testing. Allele origin: germline.
Comment: This sequence change replaces valine, which is neutral and non-polar, with methionine, which is neutral and non-polar, at codon 140 of the TBX20 protein (p.Val140Met). This variant is present in population databases (rs766745923, gnomAD 0.03%). This variant has not been reported in the literature in individuals affected with TBX20-related conditions. ClinVar contains an entry for this variant (Variation ID: 1187558). Invitae Evidence Modeling of protein sequence and biophysical properties (such as structural, functional, and spatial information, amino acid conservation, physicochemical variation, residue mobility, and thermodynamic stability) indicates that this missense variant is not expected to disrupt TBX20 protein function with a negative predictive value of 80%. In summary, the available evidence is currently insufficient to determine the role of this variant in disease. Therefore, it has been classified as a Variant of Uncertain Significance.

Ambry Genetics
Classification: Uncertain significance for Cardiovascular phenotype. Last evaluated: 2024-09-24. Review status: criteria provided, single submitter. Criteria: Ambry Variant Classification Scheme 2023. Collection method: clinical testing. Allele origin: germline.
Comment: The p.V140M variant (also known as c.418G>A), located in coding exon 3 of the TBX20 gene, results from a G to A substitution at nucleotide position 418. The valine at codon 140 is replaced by methionine, an amino acid with highly similar properties. This amino acid position is highly conserved in available vertebrate species. In addition, the in silico prediction for this alteration is inconclusive. Since supporting evidence is limited at this time, the clinical significance of this alteration remains unclear.

Fulgent Genetics
Classification: Uncertain significance for Atrial septal defect 4. Last evaluated: 2021-10-06. Review status: criteria provided, single submitter. Criteria: ACMG Guidelines, 2015. Collection method: clinical testing. Allele origin: unknown.

GeneDx
Classification: Uncertain significance. Last evaluated: 2019-04-25. Review status: criteria provided, single submitter. Criteria: GeneDx Variant Classification Process June 2021. Collection method: clinical testing. Allele origin: germline. Affected: yes.
Comment: Has not been previously published as pathogenic or benign to our knowledge; In silico analysis, which includes protein predictors and evolutionary conservation, supports that this variant does not alter protein structure/function